The following is an entry in ClinVar:

NM_024592.5(SRD5A3):c.951_955del (p.Phe318fs)

Genes: SRD5A3 (steroid 5 alpha-reductase 3; plus strand), SRD5A3-AS1 (SRD5A3 antisense RNA 1; minus strand). Cytogenetic location: 4q12.
Variant type: Deletion.
Coding change: c.951_955del on transcript NM_024592.5 (MANE Select); coding-DNA positions 951 to 955, 5 bases deleted (GTTTT; older notation c.951_955delGTTTT).
Protein change: p.Phe318fs; shifts the reading frame from phenylalanine 318.
Molecular consequence: frameshift variant.
Genome position (GRCh38, 1-based): chr4:55,370,085-55,370,089, GTTTT deleted; deleting any 5 consecutive bases within chr4:55,370,081-55,370,089 gives the same sequence; the c. name uses the placement nearest the transcript's 3' end. VCF-style (leftmost placement, unchanged base first): chr4-55370080-TTTTTG-T. GRCh37 (hg19) VCF-style: chr4-56236247-TTTTTG-T.
Other names: p.Phe318Ser; p.Phe318Serfs*2; c.951_955delGTTTT (NM_024592.4); short protein forms F318fs.
Identifiers: ClinVar variation 632442 (VCV000632442.30), dbSNP rs565935886, ClinGen allele CA2925421.

ClinVar aggregate classification (germline): Uncertain significance. Review status: criteria provided, multiple submitters, no conflicts (2 of 4 stars). 12 submissions from 12 submitters: Uncertain significance (9). 3 of the submissions do not count toward it. Last evaluated 2025-09-20.

Conditions:
Inborn genetic diseases. Identifiers: MedGen C0950123, MeSH D030342.
Kahrizi syndrome (KHRZ). Also called: MENTAL RETARDATION, CATARACT, COLOBOMA, AND KYPHOSIS, AUTOSOMAL RECESSIVE. Identifiers: MedGen C2675185, MONDO:0012991, OMIM 612713.
SRD5A3-congenital disorder of glycosylation. Also called: CDG Iq; Ocular colobomas, ichthyosis, brain malformations and endocrine abnormalities; SRD5A3-CDG; Congenital disorder of glycosylation type 1Q; COLOBOMA, OCULAR, WITH ICHTHYOSIS, BRAIN MALFORMATIONS, AND ENDOCRINE ABNORMALITIES. Identifiers: Orphanet 324737, MedGen C4317224, MONDO:0012885, OMIM 612379.
Hemangioma. Identifiers: MedGen C0018916, MONDO:0006500, HP:0001028.
Low-set ears. Identifiers: MedGen C0239234, HP:0000369.
Generalized hypotonia. Identifiers: MedGen C1858120, HP:0001290.

Submissions (12):

Mayo Clinic Laboratories, Mayo Clinic
Classification: Uncertain significance. Last evaluated: 2025-09-20. Review status: criteria provided, single submitter. Criteria: ACMG Guidelines, 2015. Collection method: clinical testing. Allele origin: germline. Observed: 3 variant alleles.

Labcorp Genetics (formerly Invitae), Labcorp
Classification: Uncertain significance for SRD5A3-congenital disorder of glycosylation. Last evaluated: 2025-01-06. Review status: criteria provided, single submitter. Criteria: Invitae Variant Classification Sherloc (09022015). Collection method: clinical testing. Allele origin: germline.
Comment: This sequence change replaces phenylalanine, which is neutral and non-polar, with serine, which is neutral and polar, at codon 318 of the SRD5A3 protein (p.Phe318Ser). This variant is present in population databases (rs565935886, gnomAD 0.1%), and has an allele count higher than expected for a pathogenic variant. This variant has not been reported in the literature in individuals affected with SRD5A3-related conditions. ClinVar contains an entry for this variant (Variation ID: 632442). Experimental studies and prediction algorithms are not available or were not evaluated, and the functional significance of this variant is currently unknown. In summary, the available evidence is currently insufficient to determine the role of this variant in disease. Therefore, it has been classified as a Variant of Uncertain Significance.

Blueprint Genetics
Classification: Uncertain significance. Last evaluated: 2024-11-25. Review status: criteria provided, single submitter. Criteria: ACMG Guidelines, 2015. Collection method: clinical testing. Allele origin: germline.

Genomic Medicine Center of Excellence, King Faisal Specialist Hospital and Research Centre
Classification: Uncertain significance for SRD5A3-congenital disorder of glycosylation. Last evaluated: 2024-03-29. Review status: criteria provided, single submitter. Criteria: ACMG Guidelines, 2015. Collection method: clinical testing. Allele origin: germline.

GeneDx
Classification: Uncertain significance. Last evaluated: 2023-05-11. Review status: criteria provided, single submitter. Criteria: GeneDx Variant Classification Process June 2021. Collection method: clinical testing. Allele origin: germline. Affected: yes.
Comment: Observed in individuals with blindness and Peters anomaly in published literature, however, detailed clinical and segregation information was not provided (Dineiro et al., 2020; Chesneau et al., 2022); In silico analysis supports a deleterious effect on protein structure/function; This variant is associated with the following publications: (PMID: 32483926, 35170016)

Ambry Genetics
Classification: Uncertain significance for Inborn genetic diseases. Last evaluated: 2022-10-13. Review status: criteria provided, single submitter. Criteria: Ambry Variant Classification Scheme 2023. Collection method: clinical testing. Allele origin: germline.
Comment: The c.951_955delGTTTT (p.F318Sfs*2) alteration, located in exon 5 (coding exon 5) of the SRD5A3 gene, consists of a deletion of 5 nucleotides from position 951 to 955, causing a translational frameshift with a predicted alternate stop codon after 2 amino acids. Frameshift alterations are typically deleterious in nature (Richards, 2015). Based on insufficient or conflicting evidence, the clinical significance of this alteration remains unclear.

Fulgent Genetics
Classification: Uncertain significance for SRD5A3-congenital disorder of glycosylation; Kahrizi syndrome. Last evaluated: 2022-04-29. Review status: criteria provided, single submitter. Criteria: ACMG Guidelines, 2015. Collection method: clinical testing. Allele origin: unknown.

Victorian Clinical Genetics Services, Murdoch Childrens Research Institute
Classification: Uncertain significance for SRD5A3-congenital disorder of glycosylation. Last evaluated: 2022-03-31. Review status: criteria provided, single submitter. Criteria: ACMG Guidelines, 2015. Collection method: clinical testing. Allele origin: germline. Inheritance: Autosomal recessive inheritance.
Comment: Based on the classification scheme VCGS_Germline_v1.3.4, this variant is classified as VUS-3B. Following criteria are met: 0102 - Loss of function is a known mechanism of disease in this gene and is associated with type Iq congenital disorder of glycosylation (MIM#612379) and Kahrizi syndrome (MIM#612713). (I) 0106 - This gene is associated with autosomal recessive disease. (I) 0200 - Variant is predicted to result in a missense amino acid change from phenylalanine to serine at the final amino acid residue; the effect on 3'UTR is unknown. (I) 0251 - This variant is heterozygous. (I) 0304 - Variant is present in gnomAD (v2) <0.01 for a recessive condition (149 heterozygotes, 0 homozygotes). (SP) 0309 - An alternative amino acid change at the same position has been observed in gnomAD (v2) (1 heterozygote, 0 homozygotes). (I) 0502 - Missense variant with conflicting in silico predictions and uninformative conservation. (I) 0600 - Variant is located in the annotated 3-oxo-5-alpha-steroid 4-dehydrogenase domain (DECIPHER). (I) 0705 - No comparable missense variants have previous evidence for pathogenicity. (I) 0809 - Previous evidence of pathogenicity for this variant is inconclusive. It has been reported as VUS multiple times in ClinVar and LOVD. (I) 0905 - No published segregation evidence has been identified for this variant. (I) 1007 - No published functional evidence has been identified for this variant. (I) Legend: (SP) - Supporting pathogenic, (I) - Information, (SB) - Supporting benign

Knight Diagnostic Laboratories, Oregon Health and Sciences University
Classification: Uncertain significance for Hemangioma; Low-set ears; Generalized hypotonia. Last evaluated: 2019-12-13. Review status: criteria provided, single submitter. Criteria: ACMG Guidelines, 2015. Collection method: clinical testing. Allele origin: germline. Observed: 1 variant allele.

Clinical Genetics DNA and cytogenetics Diagnostics Lab, Erasmus MC, Erasmus Medical Center
Classification: Uncertain significance. Review status: no assertion criteria provided. Collection method: clinical testing. Allele origin: germline. Affected: yes. Study: VKGL Data-share Consensus. Not counted in ClinVar's aggregate classification.

Diagnostic Laboratory, Department of Genetics, University Medical Center Groningen
Classification: Uncertain significance. Review status: no assertion criteria provided. Collection method: clinical testing. Allele origin: germline. Affected: yes. Study: VKGL Data-share Consensus. Not counted in ClinVar's aggregate classification.

Genome Diagnostics Laboratory, University Medical Center Utrecht
Classification: Uncertain significance. Review status: no assertion criteria provided. Collection method: clinical testing. Allele origin: germline. Affected: yes. Study: VKGL Data-share Consensus. Not counted in ClinVar's aggregate classification.

Literature cited by the submitters: PubMed 32483926 (cited by Mayo Clinic Laboratories, Mayo Clinic); PubMed 35170016 (cited by Mayo Clinic Laboratories, Mayo Clinic); PubMed 35460704 (cited by Mayo Clinic Laboratories, Mayo Clinic).